The following is an entry in ClinVar:

ClinVar aggregate classification (germline): Uncertain significance (1 of 4 stars; one submission).

Conditions:
Bloom syndrome (BLM). Also called: Bloom-Torre-Machacek syndrome. Identifiers: Orphanet 125, MedGen C0005859, MONDO:0008876, OMIM 210900.

Submission:

Labcorp Genetics (formerly Invitae), Labcorp
Classification: Uncertain significance for Bloom syndrome. Last evaluated: 2024-09-08. Review status: criteria provided, single submitter. Criteria: Invitae Variant Classification Sherloc (09022015). Collection method: clinical testing. Allele origin: germline.
Comment: This sequence change replaces alanine, which is neutral and non-polar, with valine, which is neutral and non-polar, at codon 926 of the BLM protein (p.Ala926Val). This variant is not present in population databases (gnomAD no frequency). This variant has not been reported in the literature in individuals affected with BLM-related conditions. Invitae Evidence Modeling of protein sequence and biophysical properties (such as structural, functional, and spatial information, amino acid conservation, physicochemical variation, residue mobility, and thermodynamic stability) indicates that this missense variant is not expected to disrupt BLM protein function with a negative predictive value of 80%. In summary, the available evidence is currently insufficient to determine the role of this variant in disease. Therefore, it has been classified as a Variant of Uncertain Significance.

NM_000057.4(BLM):c.2777C>T (p.Ala926Val)

Gene: BLM (BLM RecQ like helicase; plus strand). Cytogenetic location: 15q26.1.
Variant type: single nucleotide variant.
Coding change: c.2777C>T on transcript NM_000057.4 (MANE Select); coding-DNA position 2777, C replaced by T.
Protein change: p.Ala926Val; replaces alanine 926 with valine.
Molecular consequence: missense variant.
Genome position (GRCh38, 1-based): chr15:90,785,035, C>T. VCF-style: chr15-90785035-C-T. GRCh37 (hg19) VCF-style: chr15-91328265-C-T.
Other names: c.2777C>T, p.Ala926Val (NM_001287246.2, NM_001287247.2); c.1652C>T, p.Ala551Val (NM_001287248.2); short protein forms A551V, A926V.
Identifiers: ClinVar variation 3730130 (VCV003730130.2).
Genomic context (GRCh38, chr15:90,785,035, plus strand): 5'-ACACGTTACAGAGAGATGGGCTCGCTGCTCTTGCTTACCATGCTGGCCTCAGTGATTCTG[C>T]CAGAGATGAAGTGCAGCAGAAGTGGATTAATCAGGATGGCTGTCAGGTAACATTTTTAAA-3'
Protein context (NP_000048.1, residues 916-936): LAYHAGLSDS[Ala926Val]RDEVQQKWIN